The following is an entry in ClinVar:

ClinVar aggregate classification (germline): Uncertain significance (1 of 4 stars; one submission).

Submission:

CeGaT Center for Human Genetics Tuebingen
Classification: Uncertain significance. Last evaluated: 2026-04-01. Review status: criteria provided, single submitter. Criteria: CeGaT Center For Human Genetics Tuebingen Variant Classification Criteria Version 2. Collection method: clinical testing. Allele origin: germline. Affected: yes. Observed: 2 variant alleles.
Comment: CUL3: PM2, PP2

NM_003590.5(CUL3):c.463G>T (p.Gly155Trp)

Gene: CUL3 (cullin 3; minus strand). Cytogenetic location: 2q36.2.
Variant type: single nucleotide variant.
Coding change: c.463G>T on transcript NM_003590.5 (MANE Select); coding-DNA position 463, G replaced by T.
Protein change: p.Gly155Trp; replaces glycine 155 with tryptophan.
Molecular consequence: missense variant.
Genome position (GRCh38, 1-based): chr2:224,514,688, C>A on the plus strand (G>T on the coding strand, the complement: CUL3 is on the minus strand). VCF-style: chr2-224514688-C-A. GRCh37 (hg19) VCF-style: chr2-225379405-C-A.
Other names: c.265G>T, p.Gly89Trp (NM_001257197.2); c.481G>T, p.Gly161Trp (NM_001257198.2); short protein forms G155W, G161W, G89W.
Identifiers: ClinVar variation 4821363 (VCV004821363.4).